The following is an entry in ClinVar:

ClinVar aggregate classification (germline): Uncertain significance (1 of 4 stars; one submission).

Conditions:
Dyskeratosis congenita, autosomal dominant 6 (DKCA6). Identifiers: Orphanet 3322, MedGen C4225284, MONDO:0014690, OMIM 616553.

Submission:

Labcorp Genetics (formerly Invitae), Labcorp
Classification: Uncertain significance for Dyskeratosis congenita, autosomal dominant 6. Last evaluated: 2025-07-21. Review status: criteria provided, single submitter. Criteria: Invitae Variant Classification Sherloc (09022015). Collection method: clinical testing. Allele origin: germline.
Comment: This sequence change falls in intron 10 of the ACD gene. It does not directly change the encoded amino acid sequence of the ACD protein. It affects a nucleotide within the consensus splice site. This variant is not present in population databases (gnomAD no frequency). This variant has not been reported in the literature in individuals affected with ACD-related conditions. ClinVar contains an entry for this variant (Variation ID: 1055964). Variants that disrupt the consensus splice site are a relatively common cause of aberrant splicing (PMID: 17576681, 9536098). Algorithms developed to predict the effect of sequence changes on RNA splicing suggest that this variant may disrupt the consensus splice site. In summary, the available evidence is currently insufficient to determine the role of this variant in disease. Therefore, it has been classified as a Variant of Uncertain Significance.

Literature cited by the submitters: PubMed 17576681; PubMed 9536098.

NM_001082486.2(ACD):c.1206+4A>G

Gene: ACD (ACD shelterin complex subunit and telomerase recruitment factor; minus strand). Cytogenetic location: 16q22.1.
Variant type: single nucleotide variant.
Coding change: c.1206+4A>G on transcript NM_001082486.2 (MANE Select); 4 bases into the intron after coding-DNA position 1206, A replaced by G.
Molecular consequence: intron variant.
Genome position (GRCh38, 1-based): chr16:67,657,982, T>C on the plus strand (A>G on the coding strand, the complement: ACD is on the minus strand). VCF-style: chr16-67657982-T-C. GRCh37 (hg19) VCF-style: chr16-67691885-T-C.
Other names: c.1197+4A>G (NM_022914.3).
Identifiers: ClinVar variation 1055964 (VCV001055964.7), dbSNP rs2142967211, ClinGen allele CA2499223635.